The following is an entry in ClinVar:

ClinVar aggregate classification (germline): Uncertain significance (1 of 4 stars; one submission).

Submission:

GeneDx
Classification: Uncertain significance. Last evaluated: 2025-09-20. Review status: criteria provided, single submitter. Criteria: GeneDx Variant Classification Process June 2021. Collection method: clinical testing. Allele origin: germline. Affected: yes.
Comment: Not observed at significant frequency in large population cohorts (gnomAD); Has not been previously published as pathogenic or benign to our knowledge; Reported using an alternate transcript of the gene; Canonical splice site variant in a gene for which loss-of-function is not an established mechanism of disease

NM_000829.4(GRIA4):c.2544+49C>T

Gene: GRIA4 (glutamate ionotropic receptor AMPA type subunit 4; plus strand). Cytogenetic location: 11q22.3.
Variant type: single nucleotide variant.
Coding change: c.2544+49C>T on transcript NM_000829.4 (MANE Select); 49 bases into the intron after coding-DNA position 2544, C replaced by T.
Molecular consequence: intron variant. On other transcripts: nonsense (4).
Genome position (GRCh38, 1-based): chr11:105,974,493, C>T. VCF-style: chr11-105974493-C-T. GRCh37 (hg19) VCF-style: chr11-105845220-C-T.
Other names: c.2593C>T, p.Gln865Ter (NM_001077243.3, NM_001440391.1, NM_001440392.1 and 1 more transcripts); c.2544+49C>T (NM_001440383.1, NM_001440386.1, NM_001440382.1 and 3 more transcripts); c.2181+49C>T (NM_001440395.1, NM_001440396.1); c.2523+49C>T (NM_001440388.1, NM_001440390.1, NM_001440389.1); c.1590+49C>T (NM_001440398.1); c.2337+49C>T (NM_001440394.1); c.1293+49C>T (NM_001440399.1); short protein forms Q865*.
Identifiers: ClinVar variation 4813905 (VCV004813905.1).